The following is an entry in ClinVar:

NM_000245.4(MET):c.2550C>G (p.Ile850Met)

Gene: MET (MET proto-oncogene, receptor tyrosine kinase; plus strand). Cytogenetic location: 7q31.2.
Variant type: single nucleotide variant.
Coding change: c.2550C>G on transcript NM_000245.4 (MANE Select); coding-DNA position 2550, C replaced by G.
Protein change: p.Ile850Met; replaces isoleucine 850 with methionine.
Molecular consequence: missense variant.
Genome position (GRCh38, 1-based): chr7:116,763,235, C>G. VCF-style: chr7-116763235-C-G. GRCh37 (hg19) VCF-style: chr7-116403289-C-G.
Other names: c.2604C>G, p.Ile868Met (NM_001127500.3); c.2550C>G, p.Ile850Met (NM_001324401.3); c.1260C>G, p.Ile420Met (NM_001324402.2); short protein forms I868M, I850M, I420M.
Identifiers: ClinVar variation 2587500 (VCV002587500.4), dbSNP rs1424567821, ClinGen allele CA368983615.

ClinVar aggregate classification (germline): Uncertain significance. Review status: criteria provided, multiple submitters, no conflicts (2 of 4 stars). 2 submissions from 2 submitters: Uncertain significance (2). Last evaluated 2024-07-30.

Conditions:
Renal cell carcinoma. Identifiers: Orphanet 217071, MedGen C0007134, MeSH D002292, MONDO:0005086, HP:0005584.
Hereditary cancer-predisposing syndrome. Also called: Tumor predisposition; Hereditary Cancer Syndrome; Hereditary neoplastic syndrome; Neoplastic Syndromes, Hereditary. Identifiers: Orphanet 140162, MedGen C0027672, MeSH D009386, MONDO:0015356.

Submissions (2):

Labcorp Genetics (formerly Invitae), Labcorp
Classification: Uncertain significance for Renal cell carcinoma. Last evaluated: 2024-07-30. Review status: criteria provided, single submitter. Criteria: Invitae Variant Classification Sherloc (09022015). Collection method: clinical testing. Allele origin: germline.
Comment: This sequence change replaces isoleucine, which is neutral and non-polar, with methionine, which is neutral and non-polar, at codon 868 of the MET protein (p.Ile868Met). This variant is not present in population databases (gnomAD no frequency). This variant has not been reported in the literature in individuals affected with MET-related conditions. ClinVar contains an entry for this variant (Variation ID: 2587500). An algorithm developed to predict the effect of missense changes on protein structure and function (PolyPhen-2) suggests that this variant is likely to be disruptive. In summary, the available evidence is currently insufficient to determine the role of this variant in disease. Therefore, it has been classified as a Variant of Uncertain Significance.

Ambry Genetics
Classification: Uncertain significance for Hereditary cancer-predisposing syndrome. Last evaluated: 2023-09-06. Review status: criteria provided, single submitter. Criteria: Ambry Variant Classification Scheme 2023. Collection method: clinical testing. Allele origin: germline.
Comment: The p.I868M variant (also known as c.2604C>G), located in coding exon 10 of the MET gene, results from a C to G substitution at nucleotide position 2604. The isoleucine at codon 868 is replaced by methionine, an amino acid with highly similar properties. This amino acid position is conserved. In addition, the in silico prediction for this alteration is inconclusive. Since supporting evidence is limited at this time, the clinical significance of this alteration remains unclear.